The following is an entry in ClinVar:

NM_000444.6(PHEX):c.254G>A (p.Cys85Tyr)

Gene: PHEX (phosphate regulating endopeptidase X-linked; plus strand). Cytogenetic location: Xp22.11.
Variant type: single nucleotide variant.
Coding change: c.254G>A on transcript NM_000444.6 (MANE Select); coding-DNA position 254, G replaced by A.
Protein change: p.Cys85Tyr; replaces cysteine 85 with tyrosine.
Molecular consequence: missense variant.
Genome position (GRCh38, 1-based): chrX:22,047,116, G>A. VCF-style: chrX-22047116-G-A. GRCh37 (hg19) VCF-style: chrX-22065234-G-A.
Other names: C82Y; c.254G>A, p.Cys85Tyr (NM_001282754.2); short protein forms C85Y.
Identifiers: ClinVar variation 10817 (VCV000010817.8), dbSNP rs137853269, ClinGen allele CA255559.

ClinVar aggregate classification (germline): Pathogenic/Likely pathogenic. Review status: criteria provided, multiple submitters, no conflicts (2 of 4 stars). 3 submissions from 3 submitters: Pathogenic (1); Likely pathogenic (1). 1 of the submissions does not count toward it. Last evaluated 2026-10-05.

Conditions:
Hypophosphataemia or rickets.
Familial X-linked hypophosphatemic vitamin D refractory rickets (XLHRD). Also called: Hypophosphatemia, vitamin D-resistant rickets; Vitamin D-resistant rickets, X-linked; Hypophosphatemic Rickets, X-Linked Dominant; X-Linked Hypophosphatemia; HYPOPHOSPHATEMIC VITAMIN D-RESISTANT RICKETS. Identifiers: Orphanet 89936, MedGen C0733682, MONDO:0010619, OMIM 307800.

Allele frequency attached by ClinVar (database versions not stated): gnomAD exomes below 0.00001.
gnomAD v4.1: 1 of 1,205,959 alleles (0.000083%); highest among the groups gnomAD compares: Non-Finnish European, 0.00011%; no homozygotes.

Submissions (3):

Cambridge Genomics Laboratory, East Genomic Laboratory Hub, NHS Genomic Medicine Service
Classification: Likely pathogenic for Hypophosphataemia or rickets. Last evaluated: 2026-10-05. Review status: criteria provided, single submitter. Criteria: ACGS Best Practice Guidelines for Variant Classification in Rare Disease 2020. Collection method: clinical testing. Allele origin: germline. Affected: yes.
Comment: PS4_Moderate,PM1,PM2_Supporting,PP3,PP4

Labcorp Genetics (formerly Invitae), Labcorp
Classification: Pathogenic. Last evaluated: 2021-10-25. Review status: criteria provided, single submitter. Criteria: Invitae Variant Classification Sherloc (09022015). Collection method: clinical testing. Allele origin: germline.
Comment: This sequence change replaces cysteine with tyrosine at codon 85 of the PHEX protein (p.Cys85Tyr). The cysteine residue is highly conserved and there is a large physicochemical difference between cysteine and tyrosine. This variant is not present in population databases (ExAC no frequency). This missense change has been observed in individual(s) with hypophosphatemic rickets (PMID: 9106524, 11502829). It has also been observed to segregate with disease in related individuals. This variant is also known as Cys82Tyr. ClinVar contains an entry for this variant (Variation ID: 10817). Advanced modeling of protein sequence and biophysical properties (such as structural, functional, and spatial information, amino acid conservation, physicochemical variation, residue mobility, and thermodynamic stability) performed at Invitae indicates that this missense variant is expected to disrupt PHEX protein function. This variant disrupts the p.Cys85 amino acid residue in PHEX. Other variant(s) that disrupt this residue have been observed in individuals with PHEX-related conditions (PMID: 9199930, 10737991, 30682568), which suggests that this may be a clinically significant amino acid residue. For these reasons, this variant has been classified as Pathogenic.

OMIM
Classification: Pathogenic for HYPOPHOSPHATEMIC RICKETS, X-LINKED DOMINANT. Last evaluated: 1997-04-01. Review status: no assertion criteria provided. Collection method: literature only. Allele origin: germline. Not counted in ClinVar's aggregate classification.

Literature cited by the submitters: PubMed 9106524 (cited by Labcorp Genetics (formerly Invitae), Labcorp and OMIM); PubMed 11502829 (cited by Labcorp Genetics (formerly Invitae), Labcorp); PubMed 9199930 (cited by Labcorp Genetics (formerly Invitae), Labcorp); PubMed 10737991 (cited by Labcorp Genetics (formerly Invitae), Labcorp); PubMed 30682568 (cited by Labcorp Genetics (formerly Invitae), Labcorp); PubMed 7550339 (cited by OMIM).